The following is an entry in ClinVar:

NM_015192.4(PLCB1):c.1888+2T>C

Gene: PLCB1 (phospholipase C beta 1; plus strand). Cytogenetic location: 20p12.3.
Variant type: single nucleotide variant.
Coding change: c.1888+2T>C on transcript NM_015192.4 (MANE Select); the canonical splice donor site of the intron after coding-DNA position 1888, T replaced by C.
Molecular consequence: splice donor variant.
Genome position (GRCh38, 1-based): chr20:8,729,176, T>C. VCF-style: chr20-8729176-T-C. GRCh37 (hg19) VCF-style: chr20-8709823-T-C.
Other names: c.1888+2T>C (NM_182734.3).
Identifiers: ClinVar variation 4851995 (VCV004851995.1).
Genomic context (GRCh38, chr20:8,729,176, plus strand): 5'-GCCTCAGCTCTTCTGGAATGCAGGTTGTCAGATGGTGGCACTTAATTTCCAGACAATGGG[T>C]AAGTACATGCTTGTTCCCATTCTGCTATGAACTCACATTGCCAAGTGTCCAAAAACCATT-3'

ClinVar aggregate classification (germline): Pathogenic (1 of 4 stars; one submission).

Submission:

Dasa
Classification: Pathogenic. Last evaluated: 2025-04-22. Review status: criteria provided, single submitter. Criteria: DASA Assertion Criteria. Collection method: clinical testing. Allele origin: germline.
Comment: NM_015192.4(PLCB1):c.1888+2T>C affects a canonical splice site and is predicted to disrupt normal RNA splicing, leading to loss of normal protein function. Loss-of-function is an established mechanism of disease for this gene. This variant results in the same amino acid change as a previously established pathogenic variant. The variant is present at low frequency in population datasets. Based on the available data, this variant is classified as pathogenic.